The following is an entry in ClinVar:

ClinVar aggregate classification (germline): Uncertain significance (1 of 4 stars; one submission).

Conditions:
Immunodeficiency. Identifiers: MedGen C0021051, MONDO:0021094, HP:0002721.

gnomAD v4.1: 8 of 1,612,330 alleles (0.0005%); highest among the groups gnomAD compares: Admixed American, 0.012%; no homozygotes.

Submission:

Labcorp Genetics (formerly Invitae), Labcorp
Classification: Uncertain significance for Immunodeficiency. Last evaluated: 2024-12-22. Review status: criteria provided, single submitter. Criteria: Invitae Variant Classification Sherloc (09022015). Collection method: clinical testing. Allele origin: germline.
Comment: This sequence change replaces asparagine, which is neutral and polar, with aspartic acid, which is acidic and polar, at codon 453 of the NFAT5 protein (p.Asn453Asp). This variant is present in population databases (rs199658832, gnomAD 0.02%). This variant has not been reported in the literature in individuals affected with NFAT5-related conditions. An algorithm developed to predict the effect of missense changes on protein structure and function (PolyPhen-2) suggests that this variant is likely to be disruptive. In summary, the available evidence is currently insufficient to determine the role of this variant in disease. Therefore, it has been classified as a Variant of Uncertain Significance.

NM_138713.4(NFAT5):c.1639A>G (p.Asn547Asp)

Gene: NFAT5 (nuclear factor of activated T cells 5; plus strand). Cytogenetic location: 16q22.1.
Variant type: single nucleotide variant.
Coding change: c.1639A>G on transcript NM_138713.4 (MANE Select); coding-DNA position 1639, A replaced by G.
Protein change: p.Asn547Asp; replaces asparagine 547 with aspartic acid.
Molecular consequence: missense variant.
Genome position (GRCh38, 1-based): chr16:69,677,284, A>G. VCF-style: chr16-69677284-A-G. GRCh37 (hg19) VCF-style: chr16-69711187-A-G.
Other names: c.1357A>G, p.Asn453Asp (NM_173215.3, NM_138714.4, NM_173214.3); c.1639A>G, p.Asn547Asp (NM_001113178.3); c.967A>G, p.Asn323Asp (NM_001367709.1); c.1585A>G, p.Asn529Asp (NM_006599.4); short protein forms N453D, N547D, N323D, N529D.
Identifiers: ClinVar variation 3632298 (VCV003632298.2).
Genomic context (GRCh38, chr16:69,677,284, plus strand): 5'-CCTCCCTATCATGACCAACATATAACTTTGCCTGTGTCAGTGGGAATATATGTAGTGACA[A>G]ATGCTGGAAGATCTCATGATGTTCAACCATTCACTTACACTCCAGACCCAGGTATGTCAA-3'
Protein context (NP_619727.2, residues 537-557): PVSVGIYVVT[Asn547Asp]AGRSHDVQPF